The following is an entry in ClinVar:

NM_001101362.3(KBTBD13):c.170del (p.Gly57fs)

Gene: KBTBD13 (kelch repeat and BTB domain containing 13; plus strand). Cytogenetic location: 15q22.31.
Variant type: Deletion.
Coding change: c.170del on transcript NM_001101362.3 (MANE Select); coding-DNA position 170, one base deleted (G; older notation c.170delG).
Protein change: p.Gly57fs; shifts the reading frame from glycine 57.
Molecular consequence: frameshift variant.
Genome position (GRCh38, 1-based): chr15:65,076,985, G deleted; the last of 2 consecutive G bases (chr15:65,076,984-65,076,985); deleting either gives the same sequence. VCF-style (leftmost placement, unchanged base first): chr15-65076983-AG-A. GRCh37 (hg19) VCF-style: chr15-65369321-AG-A.
Other names: c.170delG (NM_001101362.2); short protein forms G57fs.
Identifiers: ClinVar variation 532998 (VCV000532998.10), dbSNP rs1555407559, ClinGen allele CA658798390.
Genomic context (GRCh38, chr15:65,076,983, plus strand): 5'-CCGCTCCGGCATGCGGGAGACCCGCGCAGCAGAGGTGCGCCTGGGCGTTCTGAGCGCGGG[AG>A]GTTTCCGCGCCACGCTGCAGGTGCTGCGCGGCGACCGGCCGGCGCTGGCGGCGGAGGACG-3'

ClinVar aggregate classification (germline): Uncertain significance (1 of 4 stars; one submission).

Conditions:
Nemaline myopathy 6 (NEM6). Also called: Nemaline myopathy 6, autosomal dominant. Identifiers: Orphanet 171439, MedGen C1836472, MONDO:0012237, OMIM 609273.

Submission:

Labcorp Genetics (formerly Invitae), Labcorp
Classification: Uncertain significance for Nemaline myopathy 6. Last evaluated: 2022-01-13. Review status: criteria provided, single submitter. Criteria: Invitae Variant Classification Sherloc (09022015). Collection method: clinical testing. Allele origin: germline.
Comment: This sequence change creates a premature translational stop signal (p.Gly57Valfs*104) in the KBTBD13 gene. While this is not anticipated to result in nonsense mediated decay, it is expected to disrupt the last 402 amino acid(s) of the KBTBD13 protein. This variant is not present in population databases (gnomAD no frequency). This variant has not been reported in the literature in individuals affected with KBTBD13-related conditions. ClinVar contains an entry for this variant (Variation ID: 532998). This variant disrupts the p.Arg408 amino acid residue in KBTBD13. Other variant(s) that disrupt this residue have been determined to be pathogenic (PMID: 21109227). This suggests that this residue is clinically significant, and that variants that disrupt this residue are likely to be disease-causing. In summary, the available evidence is currently insufficient to determine the role of this variant in disease. Therefore, it has been classified as a Variant of Uncertain Significance.

Literature cited by the submitters: PubMed 21109227.